The following is an entry in ClinVar:

ClinVar aggregate classification (germline): Benign (1 of 4 stars; one submission).

Conditions:
T-B+ severe combined immunodeficiency due to JAK3 deficiency. Also called: SCID, autosomal recessive, T-negative/B-positive type; SCID, T CELL-NEGATIVE, B CELL-POSITIVE, NK CELL-NEGATIVE. Identifiers: Orphanet 35078, MedGen C1833275, MONDO:0010938, OMIM 600802.

Allele frequency attached by ClinVar (database versions not stated): gnomAD 0.00104 and 0.00139; 1000 Genomes Project 0.00779; 1000 Genomes Project 30x 0.00765; TOPMed 0.00131; gnomAD exomes 0.00191.
gnomAD v4.1: 241 of 167,184 alleles (0.14%); highest among the groups gnomAD compares: East Asian, 2.2%; 4 homozygotes.

Submission:

Illumina Laboratory Services, Illumina
Classification: Benign for T-B+ severe combined immunodeficiency due to JAK3 deficiency. Last evaluated: 2018-01-12. Review status: criteria provided, single submitter. Criteria: ICSL Variant Classification Criteria 13 December 2019. Collection method: clinical testing. Allele origin: germline.
Comment: This variant was observed in the ICSL laboratory as part of a predisposition screen in an ostensibly healthy population. It had not been previously curated by ICSL or reported in the Human Gene Mutation Database (HGMD: prior to June 1st, 2018), and was therefore a candidate for classification through an automated scoring system. Utilizing variant allele frequency, disease prevalence and penetrance estimates, and inheritance mode, an automated score was calculated to assess if this variant is too frequent to cause the disease. Based on the score and internal cut-off values, a variant classified as benign is not then subjected to further curation. The score for this variant resulted in a classification of benign for this disease.

NM_000215.4(JAK3):c.*1038A>G

Gene: JAK3 (Janus kinase 3; minus strand). Cytogenetic location: 19p13.11.
Variant type: single nucleotide variant.
Coding change: c.*1038A>G on transcript NM_000215.4 (MANE Select); 1038 bases downstream of the stop codon, A replaced by G.
Molecular consequence: 3 prime UTR variant.
Genome position (GRCh38, 1-based): chr19:17,825,705, T>C on the plus strand (A>G on the coding strand, the complement: JAK3 is on the minus strand). VCF-style: chr19-17825705-T-C. GRCh37 (hg19) VCF-style: chr19-17936514-T-C.
Identifiers: ClinVar variation 328476 (VCV000328476.5), dbSNP rs373917722, ClinGen allele CA10642418.